The following is an entry in ClinVar:

ClinVar aggregate classification (germline): Uncertain significance. Review status: criteria provided, multiple submitters, no conflicts (2 of 4 stars). 4 submissions from 4 submitters: Uncertain significance (4). Last evaluated 2026-08-18.

Conditions:
CYP7A1-related disorder. Also called: CYP7A1-related condition.

Allele frequency attached by ClinVar (database versions not stated): ExAC 0.00026; gnomAD exomes 0.00036 and 0.00021; 1000 Genomes Project 0.00040; gnomAD 0.00042 and 0.00044; TOPMed 0.00045; 1000 Genomes Project 30x 0.00062; ESP Exome Variant Server 0.00062.
gnomAD v4.1: 580 of 1,613,836 alleles (0.036%); highest among the groups gnomAD compares: African/African-American, 0.084%; no homozygotes.

Submissions (4):

PreventionGenetics, part of Exact Sciences
Classification: Uncertain significance for CYP7A1-related condition. Last evaluated: 2026-08-18. Review status: criteria provided, single submitter. Criteria: ACMG Guidelines, 2015. Collection method: clinical testing. Allele origin: germline.
Comment: The CYP7A1 c.1129G>A variant is predicted to result in the amino acid substitution p.Gly377Ser. To our knowledge, this variant has not been reported in the literature. This variant is reported in 0.084% of alleles in individuals of African descent in gnomAD, which may be too common for an undocumented primary cause of disease. Although we suspect that this variant could be benign, the clinical significance of this variant is uncertain at this time due to the absence of conclusive functional and genetic evidence.

Labcorp Genetics (formerly Invitae), Labcorp
Classification: Uncertain significance. Last evaluated: 2025-11-11. Review status: criteria provided, single submitter. Criteria: Invitae Variant Classification Sherloc (09022015). Collection method: clinical testing. Allele origin: germline.
Comment: This sequence change replaces glycine, which is neutral and non-polar, with serine, which is neutral and polar, at codon 377 of the CYP7A1 protein (p.Gly377Ser). This variant is present in population databases (rs117423932, gnomAD 0.08%), and has an allele count higher than expected for a pathogenic variant. This variant has not been reported in the literature in individuals affected with CYP7A1-related conditions. ClinVar contains an entry for this variant (Variation ID: 501418). An algorithm developed to predict the effect of missense changes on protein structure and function outputs the following: PolyPhen-2: "Benign". The serine amino acid residue is found in multiple mammalian species, which suggests that this missense change does not adversely affect protein function. In summary, the available evidence is currently insufficient to determine the role of this variant in disease. Therefore, it has been classified as a Variant of Uncertain Significance.

Mayo Clinic Laboratories, Mayo Clinic
Classification: Uncertain significance. Last evaluated: 2025-05-28. Review status: criteria provided, single submitter. Criteria: ACMG Guidelines, 2015. Collection method: clinical testing. Allele origin: germline. Observed: 1 variant allele.
Comment: BP4_moderate, PM2_supporting

Eurofins Ntd Llc (ga)
Classification: Uncertain significance. Last evaluated: 2017-04-11. Review status: criteria provided, single submitter. Criteria: EGL Classification Definitions 2015. Collection method: clinical testing. Allele origin: germline. Observed: 1 variant allele, 1 heterozygote.

NM_000780.4(CYP7A1):c.1129G>A (p.Gly377Ser)

Genes: CYP7A1 (cytochrome P450 family 7 subfamily A member 1; minus strand), LOC126860400 (BRD4-independent group 4 enhancer GRCh37_chr8:59404317-59405516; plus strand). Cytogenetic location: 8q12.1.
Variant type: single nucleotide variant.
Coding change: c.1129G>A on transcript NM_000780.4 (MANE Select); coding-DNA position 1129, G replaced by A.
Protein change: p.Gly377Ser; replaces glycine 377 with serine.
Molecular consequence: missense variant.
Genome position (GRCh38, 1-based): chr8:58,492,439, C>T on the plus strand (G>A on the coding strand, the complement: CYP7A1 is on the minus strand). VCF-style: chr8-58492439-C-T. GRCh37 (hg19) VCF-style: chr8-59404998-C-T.
Other names: p.Gly377Ser; c.1129G>A (NM_000780.3); short protein forms G377S.
Identifiers: ClinVar variation 501418 (VCV000501418.13), dbSNP rs117423932, ClinGen allele CA4756649.